The following is an entry in ClinVar:

NM_023110.3(FGFR1):c.1322_1334del (p.Val441fs)

Gene: FGFR1 (fibroblast growth factor receptor 1; minus strand). Cytogenetic location: 8p11.23.
Variant type: Deletion.
Coding change: c.1322_1334del on transcript NM_023110.3 (MANE Select); coding-DNA positions 1322 to 1334, 13 bases deleted (TTCTTCTGGTTCG).
Protein change: p.Val441fs; shifts the reading frame from valine 441.
Molecular consequence: frameshift variant.
Genome position (GRCh38, 1-based): chr8:38,418,324-38,418,336, CGAACCAGAAGAA deleted on the plus strand (TTCTTCTGGTTCG on the coding strand, the reverse complement: FGFR1 is on the minus strand); deleting any 13 consecutive bases within chr8:38,418,324-38,418,337 gives the same sequence; the c. name uses the placement nearest the transcript's 3' end. VCF-style (leftmost placement, unchanged base first): chr8-38418323-CCGAACCAGAAGAA-C. GRCh37 (hg19) VCF-style: chr8-38275841-CCGAACCAGAAGAA-C.
Other names: c.1321_1333delGTTCTTCTGGTTC, p.Val441Glyfs (NM_000604.2, NM_023110.2); c.1316_1328del, p.Val439fs (NM_001174063.2, NM_001174065.2, NM_001354367.2 and 1 more transcripts); c.1292_1304del, p.Val431fs (NM_001174064.2); c.1055_1067del, p.Val352fs (NM_001174066.2, NM_023105.3); c.1415_1427del, p.Val472fs (NM_001174067.2); c.1043_1055del, p.Val348fs (NM_001354368.2); c.1310_1322del, p.Val437fs (NM_001354369.2, NM_001410922.1); c.1049_1061del, p.Val350fs (NM_001354370.2, NM_023106.3); short protein forms V348fs, V350fs, V352fs, V431fs, V437fs, V439fs, V441fs, V472fs.
Identifiers: ClinVar variation 2505386 (VCV002505386.1), dbSNP rs2536930338, ClinGen allele CA2580614545.

ClinVar aggregate classification (germline): Pathogenic (1 of 4 stars; one submission).

Conditions:
Hypogonadotropic hypogonadism 2 with or without anosmia (HH2). Also called: FGFR1-Related GnRH Deficiency (Kallmann Syndrome 2); HYPOGONADOTROPIC HYPOGONADISM 2 WITHOUT ANOSMIA; HYPOGONADOTROPIC HYPOGONADISM 2 WITH OR WITHOUT ANOSMIA, SUSCEPTIBILITY TO; HYPOGONADOTROPIC HYPOGONADISM 2 WITHOUT ANOSMIA, SUSCEPTIBILITY TO. Identifiers: Orphanet 478, MedGen C1563720, MONDO:0007844, OMIM 147950. Disease mechanism: loss of function.

Submission:

Reproductive Endocrine Unit, Massachusetts General Hospital
Classification: Pathogenic for Hypogonadotropic hypogonadism 2 with or without anosmia. Last evaluated: 2023-05-04. Review status: criteria provided, single submitter. Criteria: ACMG Guidelines, 2015. Collection method: research. Allele origin: unknown. Affected: yes. Observed: 1 variant allele.
Comment: The variant NM_023110.2:c.1322_1334del, p.(Val441Glyfs*13) het has been classified as P1c based on the variant meeting the following ACMG Criteria: PVS1,PM2,PP3.